The following is an entry in ClinVar:

ClinVar aggregate classification (germline): Uncertain significance (1 of 4 stars; one submission).

Conditions:
Ataxia-telangiectasia syndrome (AT). Also called: Ataxia-telangiectasia, complementation group D; AT, COMPLEMENTATION GROUP C; ATAXIA-TELANGIECTASIA, COMPLEMENTATION GROUP A; ATAXIA-TELANGIECTASIA, FRESNO VARIANT; Ataxia-telangiectasia; Ataxia-telangiectasia, complementation group E. Identifiers: Orphanet 100, MedGen C0004135, MONDO:0008840, OMIM 208900.

Submission:

Labcorp Genetics (formerly Invitae), Labcorp
Classification: Uncertain significance for Ataxia-telangiectasia syndrome. Last evaluated: 2024-02-19. Review status: criteria provided, single submitter. Criteria: Invitae Variant Classification Sherloc (09022015). Collection method: clinical testing. Allele origin: germline.
Comment: This sequence change replaces glutamine, which is neutral and polar, with leucine, which is neutral and non-polar, at codon 2762 of the ATM protein (p.Gln2762Leu). This variant is not present in population databases (gnomAD no frequency). This variant has not been reported in the literature in individuals affected with ATM-related conditions. An algorithm developed to predict the effect of missense changes on protein structure and function (PolyPhen-2) suggests that this variant is likely to be disruptive. In summary, the available evidence is currently insufficient to determine the role of this variant in disease. Therefore, it has been classified as a Variant of Uncertain Significance.

NM_000051.4(ATM):c.8285A>T (p.Gln2762Leu)

Genes: C11orf65 (chromosome 11 open reading frame 65; minus strand), ATM (ATM serine/threonine kinase; plus strand). Cytogenetic location: 11q22.3.
Variant type: single nucleotide variant.
Coding change: c.8285A>T on transcript NM_000051.4 (MANE Select); coding-DNA position 8285, A replaced by T.
Protein change: p.Gln2762Leu; replaces glutamine 2762 with leucine.
Molecular consequence: missense variant. On other transcripts: intron variant (2).
Genome position (GRCh38, 1-based): chr11:108,343,238, A>T. VCF-style: chr11-108343238-A-T. GRCh37 (hg19) VCF-style: chr11-108213965-A-T.
Other names: c.8285A>T, p.Gln2762Leu (NM_001351834.2); c.641-34167T>A (NM_001330368.2); c.695-7946T>A (NM_001351110.2); short protein forms Q2762L.
Identifiers: ClinVar variation 3641946 (VCV003641946.2).